The following is an entry in ClinVar:

NM_178138.6(LHX3):c.541A>G (p.Lys181Glu)

Gene: LHX3 (LIM homeobox 3; minus strand). Cytogenetic location: 9q34.3.
Variant type: single nucleotide variant.
Coding change: c.541A>G on transcript NM_178138.6 (MANE Select); coding-DNA position 541, A replaced by G.
Protein change: p.Lys181Glu; replaces lysine 181 with glutamic acid.
Molecular consequence: missense variant.
Genome position (GRCh38, 1-based): chr9:136,198,973, T>C on the plus strand (A>G on the coding strand, the complement: LHX3 is on the minus strand). VCF-style: chr9-136198973-T-C. GRCh37 (hg19) VCF-style: chr9-139090819-T-C.
Other names: c.508A>G, p.Lys170Glu (NM_001363746.1); c.556A>G, p.Lys186Glu (NM_014564.5); short protein forms K170E, K186E, K181E.
Identifiers: ClinVar variation 3009103 (VCV003009103.3), dbSNP rs2490910798, ClinGen allele CA375519676.

ClinVar aggregate classification (germline): Uncertain significance (1 of 4 stars; one submission).

Submission:

Labcorp Genetics (formerly Invitae), Labcorp
Classification: Uncertain significance. Last evaluated: 2024-10-30. Review status: criteria provided, single submitter. Criteria: Invitae Variant Classification Sherloc (09022015). Collection method: clinical testing. Allele origin: germline.
Comment: This sequence change replaces lysine, which is basic and polar, with glutamic acid, which is acidic and polar, at codon 186 of the LHX3 protein (p.Lys186Glu). This variant is not present in population databases (gnomAD no frequency). This variant has not been reported in the literature in individuals affected with LHX3-related conditions. ClinVar contains an entry for this variant (Variation ID: 3009103). An algorithm developed to predict the effect of missense changes on protein structure and function (PolyPhen-2) suggests that this variant is likely to be disruptive. In summary, the available evidence is currently insufficient to determine the role of this variant in disease. Therefore, it has been classified as a Variant of Uncertain Significance.